The following is an entry in ClinVar:

NM_023110.3(FGFR1):c.-88-2930T>A

Gene: FGFR1 (fibroblast growth factor receptor 1; minus strand). Cytogenetic location: 8p11.23.
Variant type: single nucleotide variant.
Coding change: c.-88-2930T>A on transcript NM_023110.3 (MANE Select); 2930 bases into the intron before 88 bases upstream of the start codon, T replaced by A.
Molecular consequence: intron variant.
Genome position (GRCh38, 1-based): chr8:38,460,464, A>T on the plus strand (T>A on the coding strand, the complement: FGFR1 is on the minus strand). VCF-style: chr8-38460464-A-T. GRCh37 (hg19) VCF-style: chr8-38317982-A-T.
Other names: c.-88-2930T>A (NM_001354368.2, NM_001354370.2, NM_023106.3 and 8 more transcripts); c.-180-2930T>A (NM_001174064.2); c.11+632T>A (NM_001174067.2).
Identifiers: ClinVar variation 5039391 (VCV005039391.1).

ClinVar aggregate classification (germline): Likely benign (1 of 4 stars; one submission).

gnomAD v4.1: 12 of 152,178 alleles (0.0079%); highest among the groups gnomAD compares: South Asian, 0.25%; no homozygotes.

Submission:

CeGaT Center for Human Genetics Tuebingen
Classification: Likely benign. Last evaluated: 2026-06-01. Review status: criteria provided, single submitter. Criteria: CeGaT Center For Human Genetics Tuebingen Variant Classification Criteria Version 2. Collection method: clinical testing. Allele origin: germline. Affected: yes. Observed: 1 variant allele.
Comment: FGFR1: BS1